The following is an entry in ClinVar:

ClinVar aggregate classification (germline): Uncertain significance (1 of 4 stars; one submission).

Allele frequency attached by ClinVar (database versions not stated): gnomAD 0.00001; gnomAD exomes 0.00001; TOPMed 0.00001.
gnomAD v4.1: 16 of 1,614,130 alleles (0.00099%); highest among the groups gnomAD compares: Non-Finnish European, 0.0013%; no homozygotes.

Submission:

Labcorp Genetics (formerly Invitae), Labcorp
Classification: Uncertain significance. Last evaluated: 2022-09-19. Review status: criteria provided, single submitter. Criteria: Invitae Variant Classification Sherloc (09022015). Collection method: clinical testing. Allele origin: germline.
Comment: This variant has not been reported in the literature in individuals affected with JAK1-related conditions. In summary, the available evidence is currently insufficient to determine the role of this variant in disease. Therefore, it has been classified as a Variant of Uncertain Significance. Advanced modeling of protein sequence and biophysical properties (such as structural, functional, and spatial information, amino acid conservation, physicochemical variation, residue mobility, and thermodynamic stability) performed at Invitae indicates that this missense variant is not expected to disrupt JAK1 protein function. This variant is not present in population databases (gnomAD no frequency). This sequence change replaces lysine, which is basic and polar, with glutamic acid, which is acidic and polar, at codon 768 of the JAK1 protein (p.Lys768Glu).

NM_002227.4(JAK1):c.2302A>G (p.Lys768Glu)

Gene: JAK1 (Janus kinase 1; minus strand). Cytogenetic location: 1p31.3.
Variant type: single nucleotide variant.
Coding change: c.2302A>G on transcript NM_002227.4 (MANE Select); coding-DNA position 2302, A replaced by G.
Protein change: p.Lys768Glu; replaces lysine 768 with glutamic acid.
Molecular consequence: missense variant.
Genome position (GRCh38, 1-based): chr1:64,844,165, T>C on the plus strand (A>G on the coding strand, the complement: JAK1 is on the minus strand). VCF-style: chr1-64844165-T-C. GRCh37 (hg19) VCF-style: chr1-65309848-T-C.
Other names: c.2302A>G, p.Lys768Glu (NM_001320923.2, NM_001321852.2, NM_001321853.2 and 3 more transcripts); c.2299A>G, p.Lys767Glu (NM_001321857.2); short protein forms K767E, K768E.
Identifiers: ClinVar variation 2088833 (VCV002088833.4), dbSNP rs1655082208, ClinGen allele CA340666736.